The following is an entry in ClinVar:

ClinVar aggregate classification (germline): Likely benign. Review status: criteria provided, multiple submitters, no conflicts (2 of 4 stars). 3 submissions from 3 submitters: Likely benign (3). Last evaluated 2026-03-17.

Conditions:
ATP1A3-related disorder. Also called: ATP1A3-related disorders; ATP1A3-related condition. Identifiers: MedGen CN381097.
Dystonia 12 (DYT12). Also called: Rapid-Onset Dystonia-Parkinsonism (RDP); DYT-ATP1A3. Identifiers: Orphanet 71517, MedGen C1868681, MONDO:0007496, OMIM 128235.

Allele frequency attached by ClinVar (database versions not stated): gnomAD 0.00003; TOPMed 0.00004; ExAC 0.00005; gnomAD exomes 0.00007; ESP Exome Variant Server 0.00008.
gnomAD v4.1: 59 of 1,613,332 alleles (0.0037%); highest among the groups gnomAD compares: Admixed American, 0.025%; no homozygotes.

Submissions (3):

PreventionGenetics, part of Exact Sciences
Classification: Likely benign for ATP1A3-related condition. Last evaluated: 2026-03-17. Review status: criteria provided, single submitter. Criteria: ACMG Guidelines, 2015. Collection method: clinical testing. Allele origin: germline.
Comment: This variant is classified as likely benign based on ACMG/AMP sequence variant interpretation guidelines (Richards et al. 2015 PMID: 25741868, with internal and published modifications).

Labcorp Genetics (formerly Invitae), Labcorp
Classification: Likely benign for Dystonia 12. Last evaluated: 2026-01-27. Review status: criteria provided, single submitter. Criteria: Invitae Variant Classification Sherloc (09022015). Collection method: clinical testing. Allele origin: germline.

Women's Health and Genetics/Laboratory Corporation of America, LabCorp
Classification: Likely benign. Last evaluated: 2024-11-29. Review status: criteria provided, single submitter. Criteria: LabCorp Variant Classification Summary - May 2015. Collection method: clinical testing. Allele origin: germline.

NM_152296.5(ATP1A3):c.1623C>T (p.Arg541=)

Gene: ATP1A3 (ATPase Na+/K+ transporting subunit alpha 3; minus strand). Cytogenetic location: 19q13.2.
Variant type: single nucleotide variant.
Coding change: c.1623C>T on transcript NM_152296.5 (MANE Select); coding-DNA position 1623, C replaced by T.
Protein change: p.Arg541=; no amino-acid change (arginine 541 retained).
Molecular consequence: synonymous variant.
Genome position (GRCh38, 1-based): chr19:41,978,613, G>A on the plus strand (C>T on the coding strand, the complement: ATP1A3 is on the minus strand). VCF-style: chr19-41978613-G-A. GRCh37 (hg19) VCF-style: chr19-42482765-G-A.
Other names: c.1662C>T (NM_001256214.1); c.1656C>T, p.Arg552= (NM_001256213.2); c.1662C>T, p.Arg554= (NM_001256214.2).
Identifiers: ClinVar variation 1096591 (VCV001096591.12), dbSNP rs370771508, ClinGen allele CA9467606.